The following is an entry in ClinVar:

NM_001025616.3(ARHGAP24):c.440A>G (p.Tyr147Cys)

Gene: ARHGAP24 (Rho GTPase activating protein 24; plus strand). Cytogenetic location: 4q21.23.
Variant type: single nucleotide variant.
Coding change: c.440A>G on transcript NM_001025616.3 (MANE Select); coding-DNA position 440, A replaced by G.
Protein change: p.Tyr147Cys; replaces tyrosine 147 with cysteine.
Molecular consequence: missense variant. On other transcripts: intron variant (1).
Genome position (GRCh38, 1-based): chr4:85,942,114, A>G. VCF-style: chr4-85942114-A-G. GRCh37 (hg19) VCF-style: chr4-86863267-A-G.
Other names: c.155A>G, p.Tyr52Cys (NM_001042669.2); c.185A>G, p.Tyr62Cys (NM_001287805.2); c.161A>G, p.Tyr54Cys (NM_031305.3); c.20+18344A>G (NM_001346093.2); short protein forms Y147C, Y52C, Y54C, Y62C.
Identifiers: ClinVar variation 4804019 (VCV004804019.1).

ClinVar aggregate classification (germline): Uncertain significance (1 of 4 stars; one submission).

Submission:

Labcorp Genetics (formerly Invitae), Labcorp
Classification: Uncertain significance. Last evaluated: 2025-12-11. Review status: criteria provided, single submitter. Criteria: Invitae Variant Classification Sherloc (09022015). Collection method: clinical testing. Allele origin: germline.
Comment: This sequence change replaces tyrosine, which is neutral and polar, with cysteine, which is neutral and slightly polar, at codon 147 of the ARHGAP24 protein (p.Tyr147Cys). This variant is present in population databases (no rsID available, gnomAD 0.0009%). This variant has not been reported in the literature in individuals affected with ARHGAP24-related conditions. An algorithm developed to predict the effect of missense changes on protein structure and function (PolyPhen-2) suggests that this variant is likely to be tolerated. In summary, the available evidence is currently insufficient to determine the role of this variant in disease. Therefore, it has been classified as a Variant of Uncertain Significance.